The following is an entry in ClinVar:

ClinVar aggregate classification (germline): Uncertain significance (1 of 4 stars; one submission).

Allele frequency attached by ClinVar (database versions not stated): gnomAD 0.00001.
gnomAD v4.1: 1 of 1,613,868 alleles (0.000062%); highest among the groups gnomAD compares: Non-Finnish European, 0.000085%; no homozygotes.

Submission:

Ambry Genetics
Classification: Uncertain significance. Last evaluated: 2025-05-31. Review status: criteria provided, single submitter. Criteria: Ambry Variant Classification Scheme 2023. Collection method: clinical testing. Allele origin: germline.
Comment: The p.E353G variant (also known as c.1058A>G), located in coding exon 8 of the RINT1 gene, results from an A to G substitution at nucleotide position 1058. The glutamic acid at codon 353 is replaced by glycine, an amino acid with similar properties. This amino acid position is well conserved in available vertebrate species. In addition, this alteration is predicted to be tolerated by in silico analysis. Since supporting evidence is limited at this time, the clinical significance of this alteration remains unclear.

NM_021930.6(RINT1):c.1058A>G (p.Glu353Gly)

Gene: RINT1 (RAD50 interactor 1; plus strand). Cytogenetic location: 7q22.3.
Variant type: single nucleotide variant.
Coding change: c.1058A>G on transcript NM_021930.6 (MANE Select); coding-DNA position 1058, A replaced by G.
Protein change: p.Glu353Gly; replaces glutamic acid 353 with glycine.
Molecular consequence: missense variant. On other transcripts: non-coding transcript variant (1).
Genome position (GRCh38, 1-based): chr7:105,550,116, A>G. VCF-style: chr7-105550116-A-G. GRCh37 (hg19) VCF-style: chr7-105190563-A-G.
Other names: c.824A>G, p.Glu275Gly (NM_001346599.2); c.35A>G, p.Glu12Gly (NM_001346600.2, NM_001346603.2); c.134A>G, p.Glu45Gly (NM_001346601.2); short protein forms E275G, E353G, E12G, E45G.
Identifiers: ClinVar variation 1779101 (VCV001779101.4), dbSNP rs1562849843, ClinGen allele CA368808429.
Genomic context (GRCh38, chr7:105,550,116, plus strand): 5'-CAGAATGGTACTTGGCTCAAGTACTTATGTGGATTGGAAACCATACTGAATTTCTGGATG[A>G]GAAGATTCAGCCAATATTAGACAAAGTAGGCTCTTTGGTAAACGCAAGGGTAAGAGACTC-3'
Protein context (NP_068749.3, residues 343-363): WIGNHTEFLD[Glu353Gly]KIQPILDKVG